The following is an entry in ClinVar:

ClinVar aggregate classification (germline): Conflicting classifications of pathogenicity. Review status: criteria provided, conflicting classifications (1 of 4 stars). 3 submissions from 3 submitters: Uncertain significance (1); Likely benign (2). Last evaluated 2026-08-01.

Conditions:
Hereditary spastic paraplegia 11. Also called: SPASTIC PARAPLEGIA, AUTOSOMAL RECESSIVE, COMPLICATED, WITH THIN CORPUS CALLOSUM; SPASTIC PARAPLEGIA, AUTOSOMAL RECESSIVE, WITH MENTAL IMPAIRMENT AND THIN CORPUS CALLOSUM; Spastic paraplegia, mental retardation and thin corpus callosum; Nakamura Osame syndrome; Autosomal recessive hereditary spastic paraplegia, mental impairment, and thin corpus callosum; Spastic Paraplegia 11. Identifiers: Orphanet 2822, MedGen C1858479, MONDO:0011445, OMIM 604360.

Allele frequency attached by ClinVar (database versions not stated): gnomAD 0.00003; ExAC 0.00009; TOPMed 0.00012; gnomAD exomes 0.00017.
gnomAD v4.1: 58 of 1,613,960 alleles (0.0036%); highest among the groups gnomAD compares: Admixed American, 0.085%; no homozygotes.

Submissions (3):

CeGaT Center for Human Genetics Tuebingen
Classification: Likely benign. Last evaluated: 2026-08-01. Review status: criteria provided, single submitter. Criteria: CeGaT Center For Human Genetics Tuebingen Variant Classification Criteria Version 2. Collection method: clinical testing. Allele origin: germline. Affected: yes. Observed: 1 variant allele.
Comment: SPG11: BP4, BP7

Labcorp Genetics (formerly Invitae), Labcorp
Classification: Likely benign for Hereditary spastic paraplegia 11. Last evaluated: 2025-09-22. Review status: criteria provided, single submitter. Criteria: Invitae Variant Classification Sherloc (09022015). Collection method: clinical testing. Allele origin: germline.

GeneDx
Classification: Uncertain significance. Last evaluated: 2020-06-23. Review status: criteria provided, single submitter. Criteria: GeneDx Variant Classification Process June 2021. Collection method: clinical testing. Allele origin: germline. Affected: yes.
Comment: Has not been previously published as pathogenic or benign to our knowledge; In-silico analysis, which includes splice predictors and evolutionary conservation, is inconclusive as to whether the variant alters gene splicing. In the absence of RNA/functional studies, the actual effect of this sequence change is unknown.

NM_025137.4(SPG11):c.2577A>G (p.Gln859=)

Gene: SPG11 (SPG11 vesicle trafficking associated, spatacsin; minus strand). Cytogenetic location: 15q21.1.
Variant type: single nucleotide variant.
Coding change: c.2577A>G on transcript NM_025137.4 (MANE Select); coding-DNA position 2577, A replaced by G.
Protein change: p.Gln859=; no amino-acid change (glutamine 859 retained).
Molecular consequence: synonymous variant.
Genome position (GRCh38, 1-based): chr15:44,621,802, T>C on the plus strand (A>G on the coding strand, the complement: SPG11 is on the minus strand). VCF-style: chr15-44621802-T-C. GRCh37 (hg19) VCF-style: chr15-44914000-T-C.
Other names: c.2577A>G, p.Gln859= (NM_001160227.2).
Identifiers: ClinVar variation 696733 (VCV000696733.13), dbSNP rs753130399, ClinGen allele CA7535207.